The following is an entry in ClinVar:

ClinVar aggregate classification (germline): Uncertain significance (1 of 4 stars; one submission).

Submission:

Labcorp Genetics (formerly Invitae), Labcorp
Classification: Uncertain significance. Last evaluated: 2024-03-25. Review status: criteria provided, single submitter. Criteria: Invitae Variant Classification Sherloc (09022015). Collection method: clinical testing. Allele origin: germline.
Comment: This sequence change falls in intron 16 of the CACNA1D gene. It does not directly change the encoded amino acid sequence of the CACNA1D protein. It affects a nucleotide within the consensus splice site. This variant is not present in population databases (gnomAD no frequency). This variant has not been reported in the literature in individuals affected with CACNA1D-related conditions. Variants that disrupt the consensus splice site are a relatively common cause of aberrant splicing (PMID: 17576681, 9536098). Algorithms developed to predict the effect of sequence changes on RNA splicing suggest that this variant may disrupt the consensus splice site. In summary, the available evidence is currently insufficient to determine the role of this variant in disease. Therefore, it has been classified as a Variant of Uncertain Significance.

Literature cited by the submitters: PubMed 17576681; PubMed 9536098.

NM_001128840.3(CACNA1D):c.2221+6C>G

Gene: CACNA1D (calcium voltage-gated channel subunit alpha1 D; plus strand). Cytogenetic location: 3p21.1.
Variant type: single nucleotide variant.
Coding change: c.2221+6C>G on transcript NM_001128840.3 (MANE Select); 6 bases into the intron after coding-DNA position 2221, C replaced by G.
Molecular consequence: intron variant.
Genome position (GRCh38, 1-based): chr3:53,727,005, C>G. VCF-style: chr3-53727005-C-G. GRCh37 (hg19) VCF-style: chr3-53761032-C-G.
Other names: c.2221+6C>G (NM_001128839.3); c.2281+6C>G (NM_000720.4).
Identifiers: ClinVar variation 3684901 (VCV003684901.2).